The following is an entry in ClinVar:

ClinVar aggregate classification (germline): Likely benign. Review status: criteria provided, single submitter (1 of 4 stars). 2 submissions from 2 submitters: Likely benign (1). 1 of the submissions does not count toward it. Last evaluated 2023-01-15.

Conditions:
SCLT1-related disorder. Also called: SCLT1-related condition.

Allele frequency attached by ClinVar (database versions not stated): gnomAD 0.00001; gnomAD exomes 0.00001; ExAC 0.00002.
gnomAD v4.1: 13 of 1,606,512 alleles (0.00081%); highest among the groups gnomAD compares: African/African-American, 0.0027%; no homozygotes.

Submissions (2):

Labcorp Genetics (formerly Invitae), Labcorp
Classification: Likely benign. Last evaluated: 2023-01-15. Review status: criteria provided, single submitter. Criteria: Invitae Variant Classification Sherloc (09022015). Collection method: clinical testing. Allele origin: germline.

PreventionGenetics, part of Exact Sciences
Classification: Likely benign for SCLT1-related condition. Last evaluated: 2024-09-25. Review status: no assertion criteria provided. Collection method: clinical testing. Allele origin: germline. Not counted in ClinVar's aggregate classification.
Comment: This variant is classified as likely benign based on ACMG/AMP sequence variant interpretation guidelines (Richards et al. 2015 PMID: 25741868, with internal and published modifications).

NM_144643.4(SCLT1):c.1686A>G (p.Gln562=)

Gene: SCLT1 (sodium channel and clathrin linker 1; minus strand). Cytogenetic location: 4q28.2.
Variant type: single nucleotide variant.
Coding change: c.1686A>G on transcript NM_144643.4 (MANE Select); coding-DNA position 1686, A replaced by G.
Protein change: p.Gln562=; no amino-acid change (glutamine 562 retained).
Molecular consequence: synonymous variant. On other transcripts: 3 prime UTR variant (1).
Genome position (GRCh38, 1-based): chr4:128,936,798, T>C on the plus strand (A>G on the coding strand, the complement: SCLT1 is on the minus strand). VCF-style: chr4-128936798-T-C. GRCh37 (hg19) VCF-style: chr4-129857953-T-C.
Other names: c.*23A>G (NM_001410807.1); c.1686A>G (NM_144643.3).
Identifiers: ClinVar variation 1916716 (VCV001916716.6), dbSNP rs771139314, ClinGen allele CA3079541.